The following is an entry in ClinVar:

ClinVar aggregate classification (germline): Uncertain significance (1 of 4 stars; one submission).

gnomAD v4.1: 5 of 1,614,062 alleles (0.00031%); highest among the groups gnomAD compares: East Asian, 0.0089%; no homozygotes.

Submission:

Labcorp Genetics (formerly Invitae), Labcorp
Classification: Uncertain significance. Last evaluated: 2024-07-12. Review status: criteria provided, single submitter. Criteria: Invitae Variant Classification Sherloc (09022015). Collection method: clinical testing. Allele origin: germline.
Comment: This sequence change replaces asparagine, which is neutral and polar, with lysine, which is basic and polar, at codon 733 of the TFRC protein (p.Asn733Lys). This variant is present in population databases (rs746915531, gnomAD 0.02%). This variant has not been reported in the literature in individuals affected with TFRC-related conditions. Advanced modeling of protein sequence and biophysical properties (such as structural, functional, and spatial information, amino acid conservation, physicochemical variation, residue mobility, and thermodynamic stability) performed at Invitae indicates that this missense variant is not expected to disrupt TFRC protein function with a negative predictive value of 80%. In summary, the available evidence is currently insufficient to determine the role of this variant in disease. Therefore, it has been classified as a Variant of Uncertain Significance.

NM_001128148.3(TFRC):c.2199C>A (p.Asn733Lys)

Gene: TFRC (transferrin receptor; minus strand). Cytogenetic location: 3q29.
Variant type: single nucleotide variant.
Coding change: c.2199C>A on transcript NM_001128148.3 (MANE Select); coding-DNA position 2199, C replaced by A.
Protein change: p.Asn733Lys; replaces asparagine 733 with lysine.
Molecular consequence: missense variant.
Genome position (GRCh38, 1-based): chr3:196,052,026, G>T on the plus strand (C>A on the coding strand, the complement: TFRC is on the minus strand). VCF-style: chr3-196052026-G-T. GRCh37 (hg19) VCF-style: chr3-195778897-G-T.
Other names: c.1956C>A, p.Asn652Lys (NM_001313965.2); c.1353C>A, p.Asn451Lys (NM_001313966.2); c.2199C>A, p.Asn733Lys (NM_003234.4); short protein forms N451K, N652K, N733K.
Identifiers: ClinVar variation 3693223 (VCV003693223.2).